The following is an entry in ClinVar:

ClinVar aggregate classification (germline): Uncertain significance. Review status: criteria provided, multiple submitters, no conflicts (2 of 4 stars). 2 submissions from 2 submitters: Uncertain significance (2). Last evaluated 2025-02-23.

Conditions:
Hereditary cancer-predisposing syndrome. Also called: Tumor predisposition; Neoplastic Syndromes, Hereditary; Hereditary Cancer Syndrome; Hereditary neoplastic syndrome. Identifiers: Orphanet 140162, MedGen C0027672, MeSH D009386, MONDO:0015356.
DICER1-related tumor predisposition. Also called: DICER1 syndrome; DICER1-related pleuropulmonary blastoma cancer predisposition syndrome. Identifiers: Orphanet 284343, MedGen C3839822, MONDO:0100216.

Allele frequency attached by ClinVar (database versions not stated): gnomAD exomes below 0.00001.
gnomAD v4.1: 1 of 1,613,826 alleles (0.000062%); highest among the groups gnomAD compares: Non-Finnish European, 0.000085%; no homozygotes.

Submissions (2):

Ambry Genetics
Classification: Uncertain significance for Hereditary cancer-predisposing syndrome. Last evaluated: 2025-02-23. Review status: criteria provided, single submitter. Criteria: Ambry Variant Classification Scheme 2023. Collection method: clinical testing. Allele origin: germline.
Comment: The p.P556S variant (also known as c.1666C>T), located in coding exon 9 of the DICER1 gene, results from a C to T substitution at nucleotide position 1666. The proline at codon 556 is replaced by serine, an amino acid with similar properties. This amino acid position is conserved. In addition, the in silico prediction for this alteration is inconclusive. Based on the available evidence, the clinical significance of this variant remains unclear.

Labcorp Genetics (formerly Invitae), Labcorp
Classification: Uncertain significance for DICER1-related tumor predisposition. Last evaluated: 2024-05-13. Review status: criteria provided, single submitter. Criteria: Invitae Variant Classification Sherloc (09022015). Collection method: clinical testing. Allele origin: germline.
Comment: This sequence change replaces proline, which is neutral and non-polar, with serine, which is neutral and polar, at codon 556 of the DICER1 protein (p.Pro556Ser). This variant is not present in population databases (gnomAD no frequency). This variant has not been reported in the literature in individuals affected with DICER1-related conditions. ClinVar contains an entry for this variant (Variation ID: 1058788). Advanced modeling of protein sequence and biophysical properties (such as structural, functional, and spatial information, amino acid conservation, physicochemical variation, residue mobility, and thermodynamic stability) performed at Invitae indicates that this missense variant is not expected to disrupt DICER1 protein function with a negative predictive value of 80%. In summary, the available evidence is currently insufficient to determine the role of this variant in disease. Therefore, it has been classified as a Variant of Uncertain Significance.

NM_177438.3(DICER1):c.1666C>T (p.Pro556Ser)

Gene: DICER1 (dicer 1, ribonuclease III; minus strand). Cytogenetic location: 14q32.13.
Variant type: single nucleotide variant.
Coding change: c.1666C>T on transcript NM_177438.3 (MANE Select); coding-DNA position 1666, C replaced by T.
Protein change: p.Pro556Ser; replaces proline 556 with serine.
Molecular consequence: missense variant.
Genome position (GRCh38, 1-based): chr14:95,116,539, G>A on the plus strand (C>T on the coding strand, the complement: DICER1 is on the minus strand). VCF-style: chr14-95116539-G-A. GRCh37 (hg19) VCF-style: chr14-95582876-G-A.
Other names: c.1666C>T, p.Pro556Ser (NM_001195573.1, NM_001271282.3, NM_001291628.2 and 1 more transcripts); c.1666C>T (NM_177438.2); short protein forms P556S.
Identifiers: ClinVar variation 1058788 (VCV001058788.11), dbSNP rs1595411068, ClinGen allele CA390884841.
Genomic context (GRCh38, chr14:95,116,539, plus strand): 5'-GGTCTTCTTCAAAACTTTTTATTTTGTCTGTATCCGCTAACATTATATAATTAGAGATGG[G>A]TGCCCTTGCTCTTCCTTTAGATTGAACATAGGATCGATATTCTGTGGGCAAATCAAAACG-3'
Protein context (NP_803187.1, residues 546-566): YVQSKGRARA[Pro556Ser]ISNYIMLADT